The following is an entry in ClinVar:

ClinVar aggregate classification (germline): Pathogenic (1 of 4 stars; one submission).

Submission:

Labcorp Genetics (formerly Invitae), Labcorp
Classification: Pathogenic. Last evaluated: 2023-04-06. Review status: criteria provided, single submitter. Criteria: Invitae Variant Classification Sherloc (09022015). Collection method: clinical testing. Allele origin: germline.
Comment: This sequence change creates a premature translational stop signal (p.Trp1511Cysfs*63) in the CCDC88C gene. It is expected to result in an absent or disrupted protein product. Loss-of-function variants in CCDC88C are known to be pathogenic (PMID: 23042809, 29225145). This variant is not present in population databases (gnomAD no frequency). This variant has not been reported in the literature in individuals affected with CCDC88C-related conditions. For these reasons, this variant has been classified as Pathogenic.

Literature cited by the submitters: PubMed 23042809; PubMed 29225145.

NM_001080414.4(CCDC88C):c.4533del (p.Trp1511fs)

Gene: CCDC88C (coiled-coil and HOOK domain protein 88C; minus strand). Cytogenetic location: 14q32.11.
Variant type: Deletion.
Coding change: c.4533del on transcript NM_001080414.4 (MANE Select); coding-DNA position 4533, one base deleted (G; older notation c.4533delG).
Protein change: p.Trp1511fs; shifts the reading frame from tryptophan 1511.
Molecular consequence: frameshift variant.
Genome position (GRCh38, 1-based): chr14:91,283,426, C deleted on the plus strand (G on the coding strand, the reverse complement: CCDC88C is on the minus strand); the first of 2 consecutive C bases (chr14:91,283,426-91,283,427); deleting either gives the same sequence. VCF-style (leftmost placement, unchanged base first): chr14-91283425-GC-G. GRCh37 (hg19) VCF-style: chr14-91749769-GC-G.
Other names: short protein forms W1511fs.
Identifiers: ClinVar variation 2852298 (VCV002852298.3), dbSNP rs2544268813, ClinGen allele CA2739278643.